The following is an entry in ClinVar:

ClinVar aggregate classification (germline): Likely pathogenic (1 of 4 stars; one submission).

Conditions:
Hereditary cancer-predisposing syndrome. Also called: Tumor predisposition; Neoplastic Syndromes, Hereditary; Hereditary neoplastic syndrome; Hereditary Cancer Syndrome. Identifiers: Orphanet 140162, MedGen C0027672, MeSH D009386, MONDO:0015356.

Submission:

Ambry Genetics
Classification: Likely pathogenic for Hereditary cancer-predisposing syndrome. Last evaluated: 2025-07-01. Review status: criteria provided, single submitter. Criteria: Ambry Variant Classification Scheme 2023. Collection method: clinical testing. Allele origin: germline.
Comment: The c.1803-275A>G intronic variant results from an A to G substitution 275 nucleotides upstream from coding exon 11 in the ATM gene. This nucleotide position is highly conserved in available vertebrate species. In silico splice site analysis predicts that this alteration will result in the creation or strengthening of a novel splice donor and acceptor site. RNA studies have demonstrated that this alteration results in abnormal splicing in the set of samples tested (Ambry internal data). Based on the majority of available evidence to date, this variant is likely to be pathogenic.

NM_000051.4(ATM):c.1803-275A>G

Gene: ATM (ATM serine/threonine kinase; plus strand). Cytogenetic location: 11q22.3.
Variant type: single nucleotide variant.
Coding change: c.1803-275A>G on transcript NM_000051.4 (MANE Select); 275 bases into the intron before coding-DNA position 1803, A replaced by G.
Molecular consequence: intron variant.
Genome position (GRCh38, 1-based): chr11:108,252,542, A>G. VCF-style: chr11-108252542-A-G. GRCh37 (hg19) VCF-style: chr11-108123269-A-G.
Other names: c.1803-275A>G (NM_001351834.2).
Identifiers: ClinVar variation 3452966 (VCV003452966.2).